The following is an entry in ClinVar:

NM_001205293.3(CACNA1E):c.4881+10T>G

Gene: CACNA1E (calcium voltage-gated channel subunit alpha1 E; plus strand). Cytogenetic location: 1q25.3.
Variant type: single nucleotide variant.
Coding change: c.4881+10T>G on transcript NM_001205293.3 (MANE Select); 10 bases into the intron after coding-DNA position 4881, T replaced by G.
Molecular consequence: intron variant.
Genome position (GRCh38, 1-based): chr1:181,766,621, T>G. VCF-style: chr1-181766621-T-G. GRCh37 (hg19) VCF-style: chr1-181735757-T-G.
Other names: c.4881+10T>G (NM_000721.4); c.4824+10T>G (NM_001205294.2).
Identifiers: ClinVar variation 4985476 (VCV004985476.1).

ClinVar aggregate classification (germline): Likely benign (1 of 4 stars; one submission).

Conditions:
CACNA1E-related disorder. Also called: CACNA1E-related condition.

gnomAD v4.1: 3 of 1,605,314 alleles (0.00019%); highest among the groups gnomAD compares: Non-Finnish European, 0.00026%; no homozygotes.

Submission:

PreventionGenetics, part of Exact Sciences
Classification: Likely benign for CACNA1E-related condition. Last evaluated: 2024-10-08. Review status: criteria provided, single submitter. Criteria: ACMG Guidelines, 2015. Collection method: clinical testing. Allele origin: germline.
Comment: This variant is classified as likely benign based on ACMG/AMP sequence variant interpretation guidelines (Richards et al. 2015 PMID: 25741868, with internal and published modifications).